The following is an entry in ClinVar:

ClinVar aggregate classification (germline): Likely benign (1 of 4 stars; one submission).

Conditions:
Early-onset generalized limb-onset dystonia. Also called: Dystonia 1, modifier of; DYSTONIA 1, TORSION, AUTOSOMAL DOMINANT; DYSTONIA MUSCULORUM DEFORMANS 1; DYT-TOR1A; Oppenheim's dystonia; Early onset torsion dystonia. Identifiers: Orphanet 256, MedGen C1851945, MONDO:0007492, OMIM 128100.

gnomAD v4.1: 2 of 1,614,214 alleles (0.00012%); highest among the groups gnomAD compares: South Asian, 0.0022%; no homozygotes.

Submission:

Centre for Medical Genetics,  Mumbai
Classification: Likely benign for Early-onset generalized limb-onset dystonia. Last evaluated: 2026-03-19. Review status: criteria provided, single submitter. Criteria: ACMG Guidelines, 2015. Collection method: provider interpretation. Allele origin: germline. Inheritance: Autosomal dominant inheritance. Affected: no. Observed: 1 variant allele, 1 heterozygote.
Comment: The variant satisfies PM2 criteria; Extremely low frequency in gnomAD population databases. However, the variant satisfies BS2 criteria.

Literature cited by the submitters: PubMed 19955557.

NM_000113.3(TOR1A):c.704A>T (p.Asp235Val)

Gene: TOR1A (torsin family 1 member A; minus strand). Cytogenetic location: 9q34.11.
Variant type: single nucleotide variant.
Coding change: c.704A>T on transcript NM_000113.3 (MANE Select); coding-DNA position 704, A replaced by T.
Protein change: p.Asp235Val; replaces aspartic acid 235 with valine.
Molecular consequence: missense variant.
Genome position (GRCh38, 1-based): chr9:129,818,564, T>A on the plus strand (A>T on the coding strand, the complement: TOR1A is on the minus strand). VCF-style: chr9-129818564-T-A. GRCh37 (hg19) VCF-style: chr9-132580843-T-A.
Other names: short protein forms D235V.
Identifiers: ClinVar variation 4819592 (VCV004819592.1).